The following is an entry in ClinVar:

ClinVar aggregate classification (germline): Uncertain significance. Review status: criteria provided, multiple submitters, no conflicts (2 of 4 stars). 2 submissions from 2 submitters: Uncertain significance (2). Last evaluated 2024-01-01.

Conditions:
Brugada syndrome. Also called: Sudden Unexplained Death Syndrome; Sudden Unexplained Nocturnal Death Syndrome (SUNDS); Sudden unexplained nocturnal death syndrome; Sudden unexpected nocturnal death syndrome. Identifiers: Orphanet 130, MedGen C1142166, MONDO:0015263.
Cardiovascular phenotype. Identifiers: MedGen CN230736.

Allele frequency attached by ClinVar (database versions not stated): gnomAD exomes below 0.00001; TOPMed below 0.00001.
gnomAD v4.1: 5 of 1,614,194 alleles (0.00031%); highest among the groups gnomAD compares: Non-Finnish European, 0.00042%; no homozygotes.

Submissions (2):

Ambry Genetics
Classification: Uncertain significance for Cardiovascular phenotype. Last evaluated: 2024-01-01. Review status: criteria provided, single submitter. Criteria: Ambry Variant Classification Scheme 2023. Collection method: clinical testing. Allele origin: germline.
Comment: The p.I327T variant (also known as c.980T>C), located in coding exon 2 of the KCNJ8 gene, results from a T to C substitution at nucleotide position 980. The isoleucine at codon 327 is replaced by threonine, an amino acid with similar properties. This amino acid position is conserved. In addition, this alteration is predicted to be deleterious by in silico analysis. Since supporting evidence is limited at this time, the clinical significance of this alteration remains unclear.

Labcorp Genetics (formerly Invitae), Labcorp
Classification: Uncertain significance for Brugada syndrome. Last evaluated: 2021-11-20. Review status: criteria provided, single submitter. Criteria: Invitae Variant Classification Sherloc (09022015). Collection method: clinical testing. Allele origin: germline.
Comment: This variant has not been reported in the literature in individuals affected with KCNJ8-related conditions. This variant is not present in population databases (gnomAD no frequency). This sequence change replaces isoleucine, which is neutral and non-polar, with threonine, which is neutral and polar, at codon 327 of the KCNJ8 protein (p.Ile327Thr). Advanced modeling of protein sequence and biophysical properties (such as structural, functional, and spatial information, amino acid conservation, physicochemical variation, residue mobility, and thermodynamic stability) performed at Invitae indicates that this missense variant is expected to disrupt KCNJ8 protein function. In summary, the available evidence is currently insufficient to determine the role of this variant in disease. Therefore, it has been classified as a Variant of Uncertain Significance.

NM_004982.4(KCNJ8):c.980T>C (p.Ile327Thr)

Genes: KCNJ8 (potassium inwardly rectifying channel subfamily J member 8; minus strand), KCNJ8-AS1 (KCNJ8 antisense RNA 1; plus strand). Cytogenetic location: 12p12.1.
Variant type: single nucleotide variant.
Coding change: c.980T>C on transcript NM_004982.4 (MANE Select); coding-DNA position 980, T replaced by C.
Protein change: p.Ile327Thr; replaces isoleucine 327 with threonine.
Molecular consequence: missense variant.
Genome position (GRCh38, 1-based): chr12:21,766,018, A>G on the plus strand (T>C on the coding strand, the complement: KCNJ8 is on the minus strand). VCF-style: chr12-21766018-A-G. GRCh37 (hg19) VCF-style: chr12-21918952-A-G.
Other names: c.980T>C (NM_004982.2); short protein forms I327T.
Identifiers: ClinVar variation 1391140 (VCV001391140.7), dbSNP rs1940609307, ClinGen allele CA384123133.
Genomic context (GRCh38, chr12:21,766,018, plus strand): 5'-TTAACAGTGTTGCCAAATTTGGAGTAATCCACAGAATACACTCCTTCTTCCTCAGTCACA[A>G]TGGACACAAAGCGGTGGCCCCATTGGATCTCCTCAGCAATGTAGGAGGTTCGTGCTTGTG-3'
Protein context (NP_004973.1, residues 317-337): EIQWGHRFVS[Ile327Thr]VTEEEGVYSV